The following is an entry in ClinVar:

ClinVar aggregate classification (germline): Benign (1 of 4 stars; one submission).

Allele frequency attached by ClinVar (database versions not stated): 1000 Genomes Project 0.00060; TOPMed 0.00093; 1000 Genomes Project 30x 0.00109.
gnomAD v4.1: 124 of 398,624 alleles (0.031%); highest among the groups gnomAD compares: African/African-American, 0.24%; no homozygotes.

Submission:

CeGaT Center for Human Genetics Tuebingen
Classification: Benign. Last evaluated: 2025-09-01. Review status: criteria provided, single submitter. Criteria: CeGaT Center For Human Genetics Tuebingen Variant Classification Criteria Version 2. Collection method: clinical testing. Allele origin: germline. Affected: yes. Observed: 2 variant alleles.
Comment: KCNQ1OT1: BS1, BS2

NM_000218.3(KCNQ1):c.1394-8114G>A

Genes: KCNQ1 (potassium voltage-gated channel subfamily Q member 1; plus strand), KCNQ1OT1 (KCNQ1 opposite strand/antisense transcript 1; minus strand). Cytogenetic location: 11p15.5.
Variant type: single nucleotide variant.
Coding change: c.1394-8114G>A on transcript NM_000218.3 (MANE Select); 8114 bases into the intron before coding-DNA position 1394, G replaced by A.
Molecular consequence: intron variant.
Genome position (GRCh38, 1-based): chr11:2,653,847, G>A. VCF-style: chr11-2653847-G-A. GRCh37 (hg19) VCF-style: chr11-2675077-G-A.
Other names: c.1124-8114G>A (NM_001406837.1); c.1298-8114G>A (NM_001406836.1); c.854-8114G>A (NM_001406838.1); c.1013-8114G>A (NM_181798.2).
Identifiers: ClinVar variation 1879177 (VCV001879177.29), dbSNP rs561399856, ClinGen allele CA216165096.